The following is an entry in ClinVar:

ClinVar aggregate classification (germline): Conflicting classifications of pathogenicity. Review status: criteria provided, conflicting classifications (1 of 4 stars). 7 submissions from 7 submitters: Uncertain significance (5); Likely benign (2). Last evaluated 2025-12-08.

Conditions:
Cardiovascular phenotype. Identifiers: MedGen CN230736.
Arrhythmogenic cardiomyopathy with wooly hair and keratoderma. Also called: Carvajal syndrome; Dilated cardiomyopathy with woolly hair and keratoderma; Arrhythmogenic cardiomyopathy with woolly hair and keratoderma; PALMOPLANTAR KERATODERMA WITH LEFT VENTRICULAR CARDIOMYOPATHY AND WOOLLY HAIR. Identifiers: Orphanet 65282, MedGen C1854063, MONDO:0011581, OMIM 605676.
Arrhythmogenic right ventricular dysplasia 8 (ARVD8). Also called: ARRHYTHMOGENIC RIGHT VENTRICULAR DYSPLASIA, FAMILIAL, 8; ARRHYTHMOGENIC RIGHT VENTRICULAR CARDIOMYOPATHY 8; Arrhythmogenic Right Ventricular Dysplasia/Cardiomyopathy 8. Identifiers: MedGen C1843896, MONDO:0011831, OMIM 607450.
Cardiomyopathy (CMYO). Also called: Cardiomyopathies. Identifiers: Orphanet 167848, MedGen C0878544, MONDO:0004994, HP:0001638. Inheritance: Various modes of inheritance.

Allele frequency attached by ClinVar (database versions not stated): TOPMed 0.00003; gnomAD 0.00004; gnomAD exomes 0.00004 and 0.00015; ExAC 0.00020.
gnomAD v4.1: 72 of 1,614,016 alleles (0.0045%); highest among the groups gnomAD compares: African/African-American, 0.004%; no homozygotes.

Submissions (7):

Labcorp Genetics (formerly Invitae), Labcorp
Classification: Likely benign for Arrhythmogenic cardiomyopathy with wooly hair and keratoderma; Arrhythmogenic right ventricular dysplasia 8. Last evaluated: 2025-12-08. Review status: criteria provided, single submitter. Criteria: Invitae Variant Classification Sherloc (09022015). Collection method: clinical testing. Allele origin: germline.

Molecular Diagnostic Laboratory for Inherited Cardiovascular Disease, Montreal Heart Institute
Classification: Uncertain significance for Cardiovascular phenotype. Last evaluated: 2025-02-17. Review status: criteria provided, single submitter. Criteria: ACMG Guidelines, 2015. Collection method: clinical testing. Allele origin: germline. Affected: yes.

Women's Health and Genetics/Laboratory Corporation of America, LabCorp
Classification: Uncertain significance. Last evaluated: 2024-11-19. Review status: criteria provided, single submitter. Criteria: LabCorp Variant Classification Summary - May 2015. Collection method: clinical testing. Allele origin: germline.
Comment: Variant summary: DSP c.5173C>T (p.Arg1725Trp) results in a non-conservative amino acid change in the encoded protein sequence. Four of five in-silico tools predict a damaging effect of the variant on protein function. The variant allele was found at a frequency of 0.00015 in 251288 control chromosomes. Although this frequency is not significantly higher than estimated for a pathogenic variant in DSP causing Arrhythmogenic Right Ventricular Dysplasia/Cardiomyopathy (0.00015 vs 0.0002), this frequency provides evidence the variant could be benign. c.5173C>T has been reported in the literature in individuals affected with dilated cardiomyopathy, hypertrophic cardiomyopathy, or stillbirth, all without evidence of causality (e.g. Akinrinade_2015, Sahlin_2019, Jaaskelainen_2019). These reports do not provide unequivocal conclusions about association of the variant with Arrhythmogenic Right Ventricular Dysplasia/Cardiomyopathy. To our knowledge, no experimental evidence demonstrating an impact on protein function has been reported. The following publications have been ascertained in the context of this evaluation (PMID: 26084686, 30775854, 30615648). ClinVar contains an entry for this variant (Variation ID: 392520). Based on the evidence outlined above, the variant was classified as VUS-possibly benign.

All of Us Research Program, National Institutes of Health
Classification: Uncertain significance for Arrhythmogenic cardiomyopathy with wooly hair and keratoderma. Last evaluated: 2024-05-14. Review status: criteria provided, single submitter. Criteria: ACMG Guidelines, 2015. Collection method: clinical testing. Allele origin: germline. Inheritance: Autosomal dominant inheritance. Observed: 3 variant alleles, 3 heterozygotes.
Comment: This missense variant replaces arginine with tryptophan at codon 1725 of the DSP protein. Computational prediction suggests that this variant may not impact protein structure and function (internally defined REVEL score threshold <= 0.5, PMID: 27666373). To our knowledge, functional studies have not been reported for this variant. This variant has been reported in an individual affected with hypertrophic cardiomyopathy (PMID: 30775854) and in a stillbirth case (PMID: 30615648). This variant has been identified in 39/282684 chromosomes in the general population by the Genome Aggregation Database (gnomAD). The available evidence is insufficient to determine the role of this variant in disease conclusively. Therefore, this variant is classified as a Variant of Uncertain Significance.

This study involves interpretation of variants in research participants for the purpose of population health screening. Participant phenotype was not available at the time of variant classification. Additional details can be found in publication PMID: 35346344, PMCID: PMC8962531

Color Diagnostics, LLC DBA Color Health
Classification: Uncertain significance for Cardiomyopathy. Last evaluated: 2024-04-23. Review status: criteria provided, single submitter. Criteria: ACMG Guidelines, 2015. Collection method: clinical testing. Allele origin: germline.
Comment: This missense variant replaces arginine with tryptophan at codon 1725 of the DSP protein. Computational prediction suggests that this variant may not impact protein structure and function (internally defined REVEL score threshold <= 0.5, PMID: 27666373). To our knowledge, functional studies have not been reported for this variant. This variant has been reported in an individual affected with hypertrophic cardiomyopathy (PMID: 30775854) and in a stillbirth case (PMID: 30615648). This variant has been identified in 39/282684 chromosomes in the general population by the Genome Aggregation Database (gnomAD). The available evidence is insufficient to determine the role of this variant in disease conclusively. Therefore, this variant is classified as a Variant of Uncertain Significance.

Ambry Genetics
Classification: Likely benign for Cardiovascular phenotype. Last evaluated: 2022-12-07. Review status: criteria provided, single submitter. Criteria: Ambry Variant Classification Scheme 2023. Collection method: clinical testing. Allele origin: germline.

GeneDx
Classification: Uncertain significance. Last evaluated: 2017-01-06. Review status: criteria provided, single submitter. Criteria: GeneDx Variant Classification (06012015). Collection method: clinical testing. Allele origin: germline. Affected: yes.
Comment: A variant of uncertain significance has been identified in the DSP gene. The R1725W variant has not been publishedas a pathogenic variant, nor has it been reported as a benign variant to our knowledge. It was not observed inapproximately 6,500 individuals of European and African American ancestry in the NHLBI Exome SequencingProject. The R1725W variant is a non-conservative amino acidsubstitution, which is likely to impact secondary protein structure as these residues differ in polarity, charge, sizeand/or other properties. Moreover, this substitution occurs at a position that is conserved across species, and in silicoanalysis predicts this variant is probably damaging to the protein structure/function. Nonetheless, this variant lacksobservation in a significant number of affected individuals, segregation data, and functional evidence, all of whichwould further clarify pathogenicity.Therefore, based on the currently available information, it is unclear whether this variant is pathogenic or rare benign.This result cannot be interpreted for diagnosis or used for family member screening at this time.

Literature cited by the submitters: PubMed 26084686 (cited by Women's Health and Genetics/Laboratory Corporation of America, LabCorp); PubMed 30615648 (cited by 4 submitters); PubMed 30775854 (cited by 4 submitters); PubMed 26265630 (cited by Ambry Genetics).

NM_004415.4(DSP):c.5173C>T (p.Arg1725Trp)

Gene: DSP (desmoplakin; plus strand). Cytogenetic location: 6p24.3.
Variant type: single nucleotide variant.
Coding change: c.5173C>T on transcript NM_004415.4 (MANE Select); coding-DNA position 5173, C replaced by T.
Protein change: p.Arg1725Trp; replaces arginine 1725 with tryptophan.
Molecular consequence: missense variant. On other transcripts: intron variant (2).
Genome position (GRCh38, 1-based): chr6:7,581,363, C>T. VCF-style: chr6-7581363-C-T. GRCh37 (hg19) VCF-style: chr6-7581596-C-T.
Other names: c.4050+1123C>T (NM_001319034.2); c.3583-1279C>T (NM_001008844.3); c.5173C>T (LRG_423t1); short protein forms R1725W.
Identifiers: ClinVar variation 392520 (VCV000392520.19), dbSNP rs200336897, ClinGen allele CA044067.